The following is an entry in ClinVar:

NM_000135.4(FANCA):c.1277G>T (p.Ser426Ile)

Gene: FANCA (FA complementation group A; minus strand). Cytogenetic location: 16q24.3.
Variant type: single nucleotide variant.
Coding change: c.1277G>T on transcript NM_000135.4 (MANE Select); coding-DNA position 1277, G replaced by T.
Protein change: p.Ser426Ile; replaces serine 426 with isoleucine.
Molecular consequence: missense variant.
Genome position (GRCh38, 1-based): chr16:89,791,485, C>A on the plus strand (G>T on the coding strand, the complement: FANCA is on the minus strand). VCF-style: chr16-89791485-C-A. GRCh37 (hg19) VCF-style: chr16-89857893-C-A.
Other names: c.1277G>T, p.Ser426Ile (NM_001286167.3); short protein forms S426I.
Identifiers: ClinVar variation 2107144 (VCV002107144.6), dbSNP rs2040075056, ClinGen allele CA397464181.
Genomic context (GRCh38, chr16:89,791,485, plus strand): 5'-AGGAACGCAGAGGGGCCCTCCAGTGCTGCCTGGCGCACAACCAGGAACGCAGTGACCATG[C>A]TGTCCAGCTGGCAGCTCTCGAATGCCTGGGCCATCAAACGCGCCACCCAGTCTAGTTAAG-3'
Protein context (NP_000126.2, residues 416-436): AQAFESCQLD[Ser426Ile]MVTAFLVVRQ

ClinVar aggregate classification (germline): Uncertain significance. Review status: criteria provided, multiple submitters, no conflicts (2 of 4 stars). 2 submissions from 2 submitters: Uncertain significance (2). Last evaluated 2025-10-07.

Conditions:
Inborn genetic diseases. Identifiers: MedGen C0950123, MeSH D030342.
Fanconi anemia (FA). Also called: Fanconi's anemia. Identifiers: Orphanet 84, MedGen C0015625, MeSH D005199, MONDO:0019391.

gnomAD v4.1: 1 of 1,614,186 alleles (0.000062%); highest among the groups gnomAD compares: Admixed American, 0.0017%; no homozygotes.

Submissions (2):

Ambry Genetics
Classification: Uncertain significance for Inborn genetic diseases. Last evaluated: 2025-10-07. Review status: criteria provided, single submitter. Criteria: Ambry Variant Classification Scheme 2023. Collection method: clinical testing. Allele origin: germline.

Labcorp Genetics (formerly Invitae), Labcorp
Classification: Uncertain significance for Fanconi anemia. Last evaluated: 2025-05-05. Review status: criteria provided, single submitter. Criteria: Invitae Variant Classification Sherloc (09022015). Collection method: clinical testing. Allele origin: germline.
Comment: This sequence change replaces serine, which is neutral and polar, with isoleucine, which is neutral and non-polar, at codon 426 of the FANCA protein (p.Ser426Ile). This variant is not present in population databases (gnomAD no frequency). This variant has not been reported in the literature in individuals affected with FANCA-related conditions. ClinVar contains an entry for this variant (Variation ID: 2107144). Invitae Evidence Modeling of protein sequence and biophysical properties (such as structural, functional, and spatial information, amino acid conservation, physicochemical variation, residue mobility, and thermodynamic stability) has been performed for this missense variant. However, the output from this modeling did not meet the statistical confidence thresholds required to predict the impact of this variant on FANCA protein function. In summary, the available evidence is currently insufficient to determine the role of this variant in disease. Therefore, it has been classified as a Variant of Uncertain Significance.